The following is an entry in ClinVar:

NM_003884.5(KAT2B):c.1431A>C (p.Ala477=)

Gene: KAT2B (lysine acetyltransferase 2B; plus strand). Cytogenetic location: 3p24.3.
Variant type: single nucleotide variant.
Coding change: c.1431A>C on transcript NM_003884.5 (MANE Select); coding-DNA position 1431, A replaced by C.
Protein change: p.Ala477=; no amino-acid change (alanine 477 retained).
Molecular consequence: synonymous variant.
Genome position (GRCh38, 1-based): chr3:20,125,922, A>C. VCF-style: chr3-20125922-A-C. GRCh37 (hg19) VCF-style: chr3-20167414-A-C.
Identifiers: ClinVar variation 3055632 (VCV003055632.2), dbSNP rs373721059, ClinGen allele CA2284654.
Genomic context (GRCh38, chr3:20,125,922, plus strand): 5'-GAGAATAGCTCTGTGTAATTTTTTCCTGTCTCTTGCATCTCAGACCAATTTTCTGTCAGC[A>C]CACTCGGCCAGGGATGAGGCGGCAAGGTTGGAAGAGCGCAGGGGTGTAATTGAATTTCAC-3'
Protein context (NP_003875.3, residues 467-487): MLGPETNFLS[Ala477=]HSARDEAARL

ClinVar aggregate classification (germline): Likely benign (0 of 4 stars; one submission).

Conditions:
KAT2B-related disorder. Also called: KAT2B-related condition.

gnomAD v4.1: 59 of 1,613,658 alleles (0.0037%); highest among the groups gnomAD compares: South Asian, 0.057%; no homozygotes.

Submission:

PreventionGenetics, part of Exact Sciences
Classification: Likely benign for KAT2B-related condition. Last evaluated: 2022-07-21. Review status: no assertion criteria provided. Collection method: clinical testing. Allele origin: germline.
Comment: This variant is classified as likely benign based on ACMG/AMP sequence variant interpretation guidelines (Richards et al. 2015 PMID: 25741868, with internal and published modifications).